The following is an entry in ClinVar:

NM_005045.4(RELN):c.1756G>A (p.Gly586Ser)

Gene: RELN (reelin; minus strand). Cytogenetic location: 7q22.1.
Variant type: single nucleotide variant.
Coding change: c.1756G>A on transcript NM_005045.4 (MANE Select); coding-DNA position 1756, G replaced by A.
Protein change: p.Gly586Ser; replaces glycine 586 with serine.
Molecular consequence: missense variant.
Genome position (GRCh38, 1-based): chr7:103,652,558, C>T on the plus strand (G>A on the coding strand, the complement: RELN is on the minus strand). VCF-style: chr7-103652558-C-T. GRCh37 (hg19) VCF-style: chr7-103293005-C-T.
Other names: c.1756G>A, p.Gly586Ser (NM_173054.3); short protein forms G586S.
Identifiers: ClinVar variation 3152945 (VCV003152945.3), dbSNP rs1412992533, ClinGen allele CA368765280.

ClinVar aggregate classification (germline): Uncertain significance. Review status: criteria provided, multiple submitters, no conflicts (2 of 4 stars). 2 submissions from 2 submitters: Uncertain significance (2). Last evaluated 2024-06-04.

Conditions:
Norman-Roberts syndrome (LIS2). Also called: Lissencephaly 2 (Norman-Roberts type). Identifiers: Orphanet 89844, MedGen C0796089, MONDO:0009760, OMIM 257320.
Familial temporal lobe epilepsy 7. Identifiers: Orphanet 101046, MedGen C4225327, MONDO:0014639, OMIM 616436.
Inborn genetic diseases. Identifiers: MedGen C0950123, MeSH D030342.

Allele frequency attached by ClinVar (database versions not stated): gnomAD exomes below 0.00001; TOPMed 0.00001; gnomAD 0.00002.
gnomAD v4.1: 4 of 1,612,158 alleles (0.00025%); highest among the groups gnomAD compares: African/African-American, 0.0053%; no homozygotes.

Submissions (2):

Labcorp Genetics (formerly Invitae), Labcorp
Classification: Uncertain significance for Familial temporal lobe epilepsy 7; Norman-Roberts syndrome. Last evaluated: 2024-06-04. Review status: criteria provided, single submitter. Criteria: Invitae Variant Classification Sherloc (09022015). Collection method: clinical testing. Allele origin: germline.
Comment: This sequence change replaces glycine, which is neutral and non-polar, with serine, which is neutral and polar, at codon 586 of the RELN protein (p.Gly586Ser). This variant is not present in population databases (gnomAD no frequency). This variant has not been reported in the literature in individuals affected with RELN-related conditions. Advanced modeling of protein sequence and biophysical properties (such as structural, functional, and spatial information, amino acid conservation, physicochemical variation, residue mobility, and thermodynamic stability) performed at Invitae indicates that this missense variant is not expected to disrupt RELN protein function with a negative predictive value of 80%. In summary, the available evidence is currently insufficient to determine the role of this variant in disease. Therefore, it has been classified as a Variant of Uncertain Significance.

Ambry Genetics
Classification: Uncertain significance for Inborn genetic diseases. Last evaluated: 2024-02-21. Review status: criteria provided, single submitter. Criteria: Ambry Variant Classification Scheme 2023. Collection method: clinical testing. Allele origin: germline.